The following is an entry in ClinVar:

ClinVar aggregate classification (germline): Likely benign (0 of 4 stars; one submission).

Conditions:
ESRP2-related disorder. Also called: ESRP2-related condition.

Allele frequency attached by ClinVar (database versions not stated): gnomAD 0.00009; TOPMed 0.00011; ExAC 0.00014; ESP Exome Variant Server 0.00008; gnomAD exomes 0.00008.
gnomAD v4.1: 144 of 1,614,060 alleles (0.0089%); highest among the groups gnomAD compares: Middle Eastern, 0.016%; no homozygotes.

Submission:

PreventionGenetics, part of Exact Sciences
Classification: Likely benign for ESRP2-related condition. Last evaluated: 2021-01-04. Review status: no assertion criteria provided. Collection method: clinical testing. Allele origin: germline.
Comment: This variant is classified as likely benign based on ACMG/AMP sequence variant interpretation guidelines (Richards et al. 2015 PMID: 25741868, with internal and published modifications).

NM_024939.3(ESRP2):c.1587T>C (p.His529=)

Gene: ESRP2 (epithelial splicing regulatory protein 2; minus strand). Cytogenetic location: 16q22.1.
Variant type: single nucleotide variant.
Coding change: c.1587T>C on transcript NM_024939.3 (MANE Select); coding-DNA position 1587, T replaced by C.
Protein change: p.His529=; no amino-acid change (histidine 529 retained).
Molecular consequence: synonymous variant.
Genome position (GRCh38, 1-based): chr16:68,231,302, A>G on the plus strand (T>C on the coding strand, the complement: ESRP2 is on the minus strand). VCF-style: chr16-68231302-A-G. GRCh37 (hg19) VCF-style: chr16-68265205-A-G.
Other names: c.1617T>C, p.His539= (NM_001365264.1); c.1587T>C, p.His529= (NM_001365265.1).
Identifiers: ClinVar variation 3054329 (VCV003054329.2), dbSNP rs202161052, ClinGen allele CA8125209.
Genomic context (GRCh38, chr16:68,231,302, plus strand): 5'-GCTCATCTCCTCTGTGGAACAGGGGACCACCTCCACGTAGCGCTCCTTCATCACCTTCTT[A>G]TGGCAACGCTGAGCAGCAGCTAGGGCTCGCTCTGCTGATGTCATCTGAATGAAGGCATCG-3'
Protein context (NP_079215.2, residues 519-539): ERALAAAQRC[His529=]KKVMKERYVE